The following is an entry in ClinVar:

NM_001035.3(RYR2):c.6933G>C (p.Glu2311Asp)

Gene: RYR2 (ryanodine receptor 2; plus strand). Cytogenetic location: 1q43.
Variant type: single nucleotide variant.
Coding change: c.6933G>C on transcript NM_001035.3 (MANE Select); coding-DNA position 6933, G replaced by C.
Protein change: p.Glu2311Asp; replaces glutamic acid 2311 with aspartic acid.
Molecular consequence: missense variant.
Genome position (GRCh38, 1-based): chr1:237,639,019, G>C. VCF-style: chr1-237639019-G-C. GRCh37 (hg19) VCF-style: chr1-237802319-G-C.
Other names: short protein forms E2311D.
Identifiers: ClinVar variation 1069130 (VCV001069130.10), dbSNP rs794728747, ClinGen allele CA345395738.

ClinVar aggregate classification (germline): Pathogenic (1 of 4 stars; one submission).

Conditions:
Catecholaminergic polymorphic ventricular tachycardia 1. Also called: VENTRICULAR TACHYCARDIA, STRESS-INDUCED POLYMORPHIC 1; VENTRICULAR TACHYCARDIA, CATECHOLAMINERGIC POLYMORPHIC, 1, WITH OR WITHOUT ATRIAL DYSFUNCTION AND/OR DILATED CARDIOMYOPATHY; RYR2-Related Catecholaminergic Polymorphic Ventricular Tachycardia. Identifiers: Orphanet 3286, MedGen C1631597, MONDO:0011484, OMIM 604772.

Submission:

Labcorp Genetics (formerly Invitae), Labcorp
Classification: Pathogenic for Catecholaminergic polymorphic ventricular tachycardia 1. Last evaluated: 2020-09-15. Review status: criteria provided, single submitter. Criteria: Invitae Variant Classification Sherloc (09022015). Collection method: clinical testing. Allele origin: germline.
Comment: For these reasons, this variant has been classified as Pathogenic. Advanced modeling of protein sequence and biophysical properties (such as structural, functional, and spatial information, amino acid conservation, physicochemical variation, residue mobility, and thermodynamic stability) performed at Invitae indicates that this missense variant is expected to disrupt RYR2 protein function. This variant has been observed in individual(s) with clinical features of catecholaminergic polymorphic ventricular tachycardia (PMID: 12093772, 24113177, Invitae). In at least one individual the variant was observed to be de novo. This variant is not present in population databases (ExAC no frequency). This sequence change replaces glutamic acid with aspartic acid at codon 2311 of the RYR2 protein (p.Glu2311Asp). The glutamic acid residue is highly conserved and there is a small physicochemical difference between glutamic acid and aspartic acid.

Literature cited by the submitters: PubMed 12093772; PubMed 24113177.